The following is an entry in ClinVar:

ClinVar aggregate classification (germline): Uncertain significance (1 of 4 stars; one submission).

Conditions:
Hyperphosphatasia with intellectual disability syndrome 5 (GPIBD11). Also called: GLYCOSYLPHOSPHATIDYLINOSITOL BIOSYNTHESIS DEFECT 11. Identifiers: Orphanet 247262, MedGen C4014958, MONDO:0014457, OMIM 616025.

Allele frequency attached by ClinVar (database versions not stated): gnomAD exomes below 0.00001.
gnomAD v4.1: 1 of 1,613,692 alleles (0.000062%); highest among the groups gnomAD compares: Non-Finnish European, 0.000085%; no homozygotes.

Submission:

Labcorp Genetics (formerly Invitae), Labcorp
Classification: Uncertain significance for Hyperphosphatasia with intellectual disability syndrome 5. Last evaluated: 2023-05-08. Review status: criteria provided, single submitter. Criteria: Invitae Variant Classification Sherloc (09022015). Collection method: clinical testing. Allele origin: germline.
Comment: This variant has not been reported in the literature in individuals affected with PIGW-related conditions. This sequence change replaces isoleucine, which is neutral and non-polar, with valine, which is neutral and non-polar, at codon 88 of the PIGW protein (p.Ile88Val). This variant is not present in population databases (gnomAD no frequency). Advanced modeling of protein sequence and biophysical properties (such as structural, functional, and spatial information, amino acid conservation, physicochemical variation, residue mobility, and thermodynamic stability) performed at Invitae indicates that this missense variant is not expected to disrupt PIGW protein function. In summary, the available evidence is currently insufficient to determine the role of this variant in disease. Therefore, it has been classified as a Variant of Uncertain Significance.

NM_001346754.2(PIGW):c.262A>G (p.Ile88Val)

Genes: MYO19 (myosin XIX; minus strand), PIGW (phosphatidylinositol glycan anchor biosynthesis class W; plus strand). Cytogenetic location: 17q12.
Variant type: single nucleotide variant.
Coding change: c.262A>G on transcript NM_001346754.2 (MANE Select); coding-DNA position 262, A replaced by G.
Protein change: p.Ile88Val; replaces isoleucine 88 with valine.
Molecular consequence: missense variant.
Genome position (GRCh38, 1-based): chr17:36,537,363, A>G. VCF-style: chr17-36537363-A-G. GRCh37 (hg19) VCF-style: chr17-34893212-A-G.
Other names: c.262A>G, p.Ile88Val (NM_001346755.2, NM_178517.5); short protein forms I88V.
Identifiers: ClinVar variation 2975533 (VCV002975533.3), dbSNP rs2510226482, ClinGen allele CA399162264.
Genomic context (GRCh38, chr17:36,537,363, plus strand): 5'-ATGGTAGCCACTTTGACCATTTGGGCTTCATTTATCCTCCTTGAGCTTCTCGGTGTAATT[A>G]TCTTTGGGGCAGGGCTGTTGTATCAAATATACCGAAGGAGGACCTGCTATGCCAGACTGC-3'
Protein context (NP_001333683.1, residues 78-98): FILLELLGVI[Ile88Val]FGAGLLYQIY